The following is an entry in ClinVar:

ClinVar aggregate classification (germline): Likely pathogenic. Review status: criteria provided, single submitter (1 of 4 stars). 2 submissions from 2 submitters: Likely pathogenic (1). 1 of the submissions does not count toward it. Last evaluated 2024-04-02.

Conditions:
Carnitine palmitoyl transferase 1A deficiency. Also called: Carnitine palmitoyltransferase 1A deficiency; CPT deficiency, hepatic, type IA; CPT I DEFICIENCY; CPT DEFICIENCY, HEPATIC, TYPE I; Carnitine palmitoyltransferase type I deficiency. Identifiers: Orphanet 156, MedGen C1829703, MONDO:0009705, OMIM 255120.

Allele frequency attached by ClinVar (database versions not stated): gnomAD exomes below 0.00001.
gnomAD v4.1: 1 of 1,614,126 alleles (0.000062%); no homozygotes.

Submissions (2):

Natera, Inc.
Classification: Likely pathogenic for Carnitine palmitoyltransferase type I deficiency. Last evaluated: 2024-04-02. Review status: criteria provided, single submitter. Criteria: Natera Variant Classification Schema (03/2026). Collection method: clinical testing. Allele origin: germline.
Comment: The c.1711C>T variant in CPT1A is a nonsense variant predicted to introduce a stop codon at amino acid 571. This variant is expected to result in nonsense mediated decay, truncation, or a dysfunctional protein product. This variant is rare in the general population with a frequency below the threshold expected for the associated phenotype(s). Given the available evidence, this variant is classified as Likely Pathogenic.

Counsyl
Classification: Likely pathogenic for Carnitine palmitoyl transferase 1A deficiency. Last evaluated: 2016-02-26. Review status: no assertion criteria provided. Collection method: clinical testing. Allele origin: unknown. Not counted in ClinVar's aggregate classification.

NM_001876.4(CPT1A):c.1711C>T (p.Gln571Ter)

Gene: CPT1A (carnitine palmitoyltransferase 1A; minus strand). Cytogenetic location: 11q13.3.
Variant type: single nucleotide variant.
Coding change: c.1711C>T on transcript NM_001876.4 (MANE Select); coding-DNA position 1711, C replaced by T.
Protein change: p.Gln571Ter; replaces glutamine 571 with a stop codon.
Molecular consequence: nonsense.
Genome position (GRCh38, 1-based): chr11:68,773,294, G>A on the plus strand (C>T on the coding strand, the complement: CPT1A is on the minus strand). VCF-style: chr11-68773294-G-A. GRCh37 (hg19) VCF-style: chr11-68540762-G-A.
Other names: c.1711C>T, p.Gln571Ter (NM_001031847.3); short protein forms Q571*.
Identifiers: ClinVar variation 370557 (VCV000370557.4), dbSNP rs1057516586, ClinGen allele CA16041535.